The following is an entry in ClinVar:

ClinVar aggregate classification (germline): Uncertain significance (1 of 4 stars; one submission).

Submission:

Labcorp Genetics (formerly Invitae), Labcorp
Classification: Uncertain significance. Last evaluated: 2025-10-02. Review status: criteria provided, single submitter. Criteria: Invitae Variant Classification Sherloc (09022015). Collection method: clinical testing. Allele origin: germline.
Comment: This sequence change replaces glutamic acid, which is acidic and polar, with lysine, which is basic and polar, at codon 1171 of the IMPG2 protein (p.Glu1171Lys). This variant is not present in population databases (gnomAD no frequency). This variant has not been reported in the literature in individuals affected with IMPG2-related conditions. ClinVar contains an entry for this variant (Variation ID: 2835484). Invitae Evidence Modeling of protein sequence and biophysical properties (such as structural, functional, and spatial information, amino acid conservation, physicochemical variation, residue mobility, and thermodynamic stability) indicates that this missense variant is not expected to disrupt IMPG2 protein function with a negative predictive value of 80%. In summary, the available evidence is currently insufficient to determine the role of this variant in disease. Therefore, it has been classified as a Variant of Uncertain Significance.

NM_016247.4(IMPG2):c.3511G>A (p.Glu1171Lys)

Gene: IMPG2 (interphotoreceptor matrix proteoglycan 2; minus strand). Cytogenetic location: 3q12.3.
Variant type: single nucleotide variant.
Coding change: c.3511G>A on transcript NM_016247.4 (MANE Select); coding-DNA position 3511, G replaced by A.
Protein change: p.Glu1171Lys; replaces glutamic acid 1171 with lysine.
Molecular consequence: missense variant.
Genome position (GRCh38, 1-based): chr3:101,229,502, C>T on the plus strand (G>A on the coding strand, the complement: IMPG2 is on the minus strand). VCF-style: chr3-101229502-C-T. GRCh37 (hg19) VCF-style: chr3-100948346-C-T.
Other names: short protein forms E1171K.
Identifiers: ClinVar variation 2835484 (VCV002835484.3), dbSNP rs1706261789, ClinGen allele CA353847707.